The following is an entry in ClinVar:

NM_004035.7(ACOX1):c.269+4888G>A

Gene: ACOX1 (acyl-CoA oxidase 1; minus strand). Cytogenetic location: 17q25.1.
Variant type: single nucleotide variant.
Coding change: c.269+4888G>A on transcript NM_004035.7 (MANE Select); 4888 bases into the intron after coding-DNA position 269, G replaced by A.
Molecular consequence: intron variant. On other transcripts: missense variant (1).
Genome position (GRCh38, 1-based): chr17:75,973,646, C>T on the plus strand (G>A on the coding strand, the complement: ACOX1 is on the minus strand). VCF-style: chr17-75973646-C-T. GRCh37 (hg19) VCF-style: chr17-73969727-C-T.
Other names: c.409G>A, p.Ala137Thr (NM_007292.6); c.155+4888G>A (NM_001185039.2); short protein forms A137T.
Identifiers: ClinVar variation 4989297 (VCV004989297.1).
Genomic context (GRCh38, chr17:75,973,646, plus strand): 5'-CTGAGGTGGGTTACCCACAGACCCTCAATGTGGACTAACCGTGGCCCATTTCCGTCTGGG[C>T]GTAGGTGCCAATTATCTGGAGTCCTTTGGATGAAAGCAGCCATTTCTCTTTCTGAGCAGT-3'

ClinVar aggregate classification (germline): Uncertain significance (1 of 4 stars; one submission).

Conditions:
ACOX1-related disorder. Also called: ACOX1-related disorders; ACOX1-related condition.

gnomAD v4.1: 8 of 1,614,194 alleles (0.0005%); highest among the groups gnomAD compares: South Asian, 0.0055%; no homozygotes.

Submission:

PreventionGenetics, part of Exact Sciences
Classification: Uncertain significance for ACOX1-related condition. Last evaluated: 2026-08-02. Review status: criteria provided, single submitter. Criteria: ACMG Guidelines, 2015. Collection method: clinical testing. Allele origin: germline.
Comment: The ACOX1 c.409G>A variant is predicted to result in the amino acid substitution p.Ala137Thr. This variant is intronic in an alternative transcript NM_004035:c.269+4888G>A. To our knowledge, this variant has not been reported in the literature. This variant is reported in 0.020% of alleles in individuals of Ashkenazi Jewish descent in gnomAD. At this time, the clinical significance of this variant is uncertain due to the absence of conclusive functional and genetic evidence.